The following is an entry in ClinVar:

NM_152393.4(KLHL40):c.93G>T (p.Lys31Asn)

Gene: KLHL40 (kelch like family member 40; plus strand). Cytogenetic location: 3p22.1.
Variant type: single nucleotide variant.
Coding change: c.93G>T on transcript NM_152393.4 (MANE Select); coding-DNA position 93, G replaced by T.
Protein change: p.Lys31Asn; replaces lysine 31 with asparagine.
Molecular consequence: missense variant.
Genome position (GRCh38, 1-based): chr3:42,685,711, G>T. VCF-style: chr3-42685711-G-T. GRCh37 (hg19) VCF-style: chr3-42727203-G-T.
Other names: short protein forms K31N.
Identifiers: ClinVar variation 2170992 (VCV002170992.4), dbSNP rs777475748, ClinGen allele CA2336565.
Genomic context (GRCh38, chr3:42,685,711, plus strand): 5'-GCGGTTGTACCAGCAGACGCTCCTGCAAGACGGGCTCAAAGACATGCTGGACCATGGCAA[G>T]TTCCTCGACTGTGTGGTGCGGGCGGGCGAGCGCGAGTTCCCGTGCCATCGCCTGGTGCTG-3'
Protein context (NP_689606.2, residues 21-41): DGLKDMLDHG[Lys31Asn]FLDCVVRAGE

ClinVar aggregate classification (germline): Uncertain significance (1 of 4 stars; one submission).

Conditions:
Nemaline myopathy 8 (NEM8). Also called: Nemaline myopathy 8, autosomal recessive. Identifiers: Orphanet 171430, MedGen C3809209, MONDO:0014138, OMIM 615348.

Allele frequency attached by ClinVar (database versions not stated): ExAC 0.00001.

Submission:

Labcorp Genetics (formerly Invitae), Labcorp
Classification: Uncertain significance for Nemaline myopathy 8. Last evaluated: 2025-07-07. Review status: criteria provided, single submitter. Criteria: Invitae Variant Classification Sherloc (09022015). Collection method: clinical testing. Allele origin: germline.
Comment: This sequence change replaces lysine, which is basic and polar, with asparagine, which is neutral and polar, at codon 31 of the KLHL40 protein (p.Lys31Asn). This variant is present in population databases (rs777475748, gnomAD 0.0009%). This variant has not been reported in the literature in individuals affected with KLHL40-related conditions. ClinVar contains an entry for this variant (Variation ID: 2170992). Invitae Evidence Modeling of protein sequence and biophysical properties (such as structural, functional, and spatial information, amino acid conservation, physicochemical variation, residue mobility, and thermodynamic stability) indicates that this missense variant is not expected to disrupt KLHL40 protein function with a negative predictive value of 95%. In summary, the available evidence is currently insufficient to determine the role of this variant in disease. Therefore, it has been classified as a Variant of Uncertain Significance.